The following is an entry in ClinVar:

NM_198253.3(TERT):c.760G>T (p.Gly254Trp)

Gene: TERT (telomerase reverse transcriptase; minus strand). Cytogenetic location: 5p15.33.
Variant type: single nucleotide variant.
Coding change: c.760G>T on transcript NM_198253.3 (MANE Select); coding-DNA position 760, G replaced by T.
Protein change: p.Gly254Trp; replaces glycine 254 with tryptophan.
Molecular consequence: missense variant. On other transcripts: non-coding transcript variant (2).
Genome position (GRCh38, 1-based): chr5:1,294,126, C>A on the plus strand (G>T on the coding strand, the complement: TERT is on the minus strand). VCF-style: chr5-1294126-C-A. GRCh37 (hg19) VCF-style: chr5-1294241-C-A.
Other names: c.760G>T, p.Gly254Trp (NM_001193376.3); short protein forms G254W.
Identifiers: ClinVar variation 3759137 (VCV003759137.3).
Genomic context (GRCh38, chr5:1,294,126, plus strand): 5'-ACACCACACAGAAACCACGGTCACTCGGTCCACGCGTCCTGCCCGGGTGGGCCCAGGACC[C>A]CTGCCCAACGGGCGTCCGCTCCGGCTCAGGGGCAGCGCCACGCCTGGGCCTCTTGGGCAA-3'
Protein context (NP_937983.2, residues 244-264): PEPERTPVGQ[Gly254Trp]SWAHPGRTRG

ClinVar aggregate classification (germline): Uncertain significance. Review status: criteria provided, multiple submitters, no conflicts (2 of 4 stars). 2 submissions from 2 submitters: Uncertain significance (2). Last evaluated 2026-02-09.

Conditions:
Dyskeratosis congenita, autosomal dominant 2. Identifiers: MedGen C3151443, MONDO:0013521, OMIM 613989.
Idiopathic Pulmonary Fibrosis. Also called: Idiopathic fibrosing alveolitis, chronic form; idiopathic fibrosing alveolitis. Identifiers: Orphanet 2032, MedGen C1800706, MeSH D054990, MONDO:0800504.
Dyskeratosis congenita. Identifiers: Orphanet 1775, MedGen C0265965, MONDO:0015780.

Submissions (2):

Ambry Genetics
Classification: Uncertain significance for Dyskeratosis congenita. Last evaluated: 2026-02-09. Review status: criteria provided, single submitter. Criteria: Ambry Variant Classification Scheme 2023. Collection method: clinical testing. Allele origin: germline.
Comment: The p.G254W variant (also known as c.760G>T), located in coding exon 2 of the TERT gene, results from a G to T substitution at nucleotide position 760. The glycine at codon 254 is replaced by tryptophan, an amino acid with highly dissimilar properties. This amino acid position is poorly conserved in available vertebrate species. In addition, the in silico prediction for this alteration is inconclusive. Based on the available evidence, the clinical significance of this variant remains unclear.

Labcorp Genetics (formerly Invitae), Labcorp
Classification: Uncertain significance for Dyskeratosis congenita, autosomal dominant 2; Idiopathic Pulmonary Fibrosis. Last evaluated: 2025-01-12. Review status: criteria provided, single submitter. Criteria: Invitae Variant Classification Sherloc (09022015). Collection method: clinical testing. Allele origin: germline.
Comment: This sequence change replaces glycine, which is neutral and non-polar, with tryptophan, which is neutral and slightly polar, at codon 254 of the TERT protein (p.Gly254Trp). This variant is not present in population databases (gnomAD no frequency). This variant has not been reported in the literature in individuals affected with TERT-related conditions. Invitae Evidence Modeling of protein sequence and biophysical properties (such as structural, functional, and spatial information, amino acid conservation, physicochemical variation, residue mobility, and thermodynamic stability) indicates that this missense variant is expected to disrupt TERT protein function with a positive predictive value of 95%. In summary, the available evidence is currently insufficient to determine the role of this variant in disease. Therefore, it has been classified as a Variant of Uncertain Significance.